The following is an entry in ClinVar:

ClinVar aggregate classification (germline): Uncertain significance (1 of 4 stars; one submission).

Conditions:
Cataract 3 multiple types. Also called: CATARACT 3, MULTIPLE TYPES, WITH OR WITHOUT MICROCORNEA. Identifiers: Orphanet 1377, MedGen C1832175, MONDO:0011104, OMIM 601547.

Submission:

Institute of Human Genetics, University of Leipzig Medical Center
Classification: Uncertain significance for Cataract 3 multiple types. Last evaluated: 2021-04-29. Review status: criteria provided, single submitter. Criteria: ACMG Guidelines, 2015. Collection method: clinical testing. Allele origin: de novo. Affected: yes.
Comment: This variant was identified as de novo (maternity and paternity confirmed).

NM_000496.3(CRYBB2):c.565_572delinsTGCATCCA (p.Arg189_Arg191delinsCysIleHis)

Gene: CRYBB2 (crystallin beta B2; plus strand). Cytogenetic location: 22q11.23.
Variant type: Indel.
Coding change: c.565_572delinsTGCATCCA on transcript NM_000496.3 (MANE Select); coding-DNA positions 565 to 572, CGTATCCG replaced by TGCATCCA.
Protein change: p.Arg189_Arg191delinsCysIleHis.
Molecular consequence: missense variant.
Genome position (GRCh38, 1-based): chr22:25,231,719-25,231,726, CGTATCCG replaced by TGCATCCA. VCF-style: chr22-25231719-CGTATCCG-TGCATCCA. GRCh37 (hg19) VCF-style: chr22-25627686-CGTATCCG-TGCATCCA.
Identifiers: ClinVar variation 1297040 (VCV001297040.1), dbSNP rs2146095462, ClinGen allele CA2499226042.
Genomic context (GRCh38, chr22:25,231,719, plus strand): 5'-GGAGACTACAAGGACAGCAGCGACTTTGGGGCCCCTCACCCCCAGGTGCAGTCCGTGCGC[CGTATCCG>TGCATCCA]CGACATGCAGTGGCACCAACGTGGTGCCTTCCACCCCTCCAACTAGTGCCCTCCCCACCA-3'